The following is an entry in ClinVar:

ClinVar aggregate classification (germline): Uncertain significance (1 of 4 stars; one submission).

Submission:

Labcorp Genetics (formerly Invitae), Labcorp
Classification: Uncertain significance. Last evaluated: 2024-03-02. Review status: criteria provided, single submitter. Criteria: Invitae Variant Classification Sherloc (09022015). Collection method: clinical testing. Allele origin: germline.
Comment: This sequence change replaces lysine, which is basic and polar, with asparagine, which is neutral and polar, at codon 1460 of the SMARCA2 protein (p.Lys1460Asn). This variant is not present in population databases (gnomAD no frequency). This variant has not been reported in the literature in individuals affected with SMARCA2-related conditions. Advanced modeling of protein sequence and biophysical properties (such as structural, functional, and spatial information, amino acid conservation, physicochemical variation, residue mobility, and thermodynamic stability) performed at Invitae indicates that this missense variant is not expected to disrupt SMARCA2 protein function with a negative predictive value of 80%. In summary, the available evidence is currently insufficient to determine the role of this variant in disease. Therefore, it has been classified as a Variant of Uncertain Significance.

NM_003070.5(SMARCA2):c.4380G>C (p.Lys1460Asn)

Gene: SMARCA2 (SWI/SNF related BAF chromatin remodeling complex subunit ATPase 2; plus strand). Cytogenetic location: 9p24.3.
Variant type: single nucleotide variant.
Coding change: c.4380G>C on transcript NM_003070.5 (MANE Select); coding-DNA position 4380, G replaced by C.
Protein change: p.Lys1460Asn; replaces lysine 1460 with asparagine.
Molecular consequence: missense variant.
Genome position (GRCh38, 1-based): chr9:2,182,161, G>C. VCF-style: chr9-2182161-G-C. GRCh37 (hg19) VCF-style: chr9-2182161-G-C.
Other names: c.4380G>C, p.Lys1460Asn (NM_001289396.2); c.4152G>C, p.Lys1384Asn (NM_001289397.2); c.354G>C, p.Lys118Asn (NM_001289398.2); c.438G>C, p.Lys146Asn (NM_001289399.2); c.444G>C, p.Lys148Asn (NM_001289400.2); c.4326G>C, p.Lys1442Asn (NM_139045.4); short protein forms K1460N, K146N, K118N, K1384N, K1442N, K148N.
Identifiers: ClinVar variation 3674054 (VCV003674054.2).